The following is an entry in ClinVar:

ClinVar aggregate classification (germline): Uncertain significance (1 of 4 stars; one submission).

Submission:

GeneDx
Classification: Uncertain significance. Last evaluated: 2023-11-14. Review status: criteria provided, single submitter. Criteria: GeneDx Variant Classification Process June 2021. Collection method: clinical testing. Allele origin: germline.
Comment: Not observed at significant frequency in large population cohorts (gnomAD); Frameshift variant predicted to result in protein truncation or nonsense mediated decay in a gene or region of a gene for which loss of function is not a well-established mechanism of disease; Has not been previously published as pathogenic or benign to our knowledge; Variants in candidate genes are classified as variants of uncertain significance in accordance with ACMG guidelines (PMID: 25741868)

NM_014921.5(ADGRL1):c.583del (p.Arg195fs)

Genes: ADGRL1 (adhesion G protein-coupled receptor L1; minus strand), ADGRL1-AS1 (ADGRL1 antisense RNA 1; plus strand). Cytogenetic location: 19p13.12.
Variant type: Deletion.
Coding change: c.583del on transcript NM_014921.5 (MANE Select); coding-DNA position 583, one base deleted (C; older notation c.583delC).
Protein change: p.Arg195fs; shifts the reading frame from arginine 195.
Molecular consequence: frameshift variant.
Genome position (GRCh38, 1-based): chr19:14,163,218, G deleted on the plus strand (C on the coding strand, the reverse complement: ADGRL1 is on the minus strand); the first of 3 consecutive G bases (chr19:14,163,218-14,163,220); deleting any one gives the same sequence. VCF-style (leftmost placement, unchanged base first): chr19-14163217-CG-C. GRCh37 (hg19) VCF-style: chr19-14274029-CG-C.
Other names: c.598del, p.Arg200fs (NM_001008701.3); short protein forms R195fs, R200fs.
Identifiers: ClinVar variation 4891415 (VCV004891415.1).
Genomic context (GRCh38, chr19:14,163,217, plus strand): 5'-TCGTAGACCACAAAGCCTGTGCCATCCACGCGGTTGGGCAGGCGGTAGGTGGTGGTGTGG[CG>C]GGCGGCCACGTAGTCCTCCCACGAGGCATACTCAGTCAGTGTGTCCGTGCGGTAGGGGAT-3'